The following is an entry in ClinVar:

ClinVar aggregate classification (germline): Uncertain significance (1 of 4 stars; one submission).

Allele frequency attached by ClinVar (database versions not stated): gnomAD exomes below 0.00001; ExAC 0.00001.

Submission:

GeneDx
Classification: Uncertain significance. Last evaluated: 2020-01-10. Review status: criteria provided, single submitter. Criteria: GeneDx Variant Classification Process June 2021. Collection method: clinical testing. Allele origin: germline. Affected: yes.
Comment: Not observed at a significant frequency in large population cohorts (Lek et al., 2016); In silico analysis, which includes protein predictors and evolutionary conservation, supports that this variant does not alter protein structure/function; Has not been previously published as pathogenic or benign to our knowledge

NM_004807.3(HS6ST1):c.1017G>T (p.Glu339Asp)

Gene: HS6ST1 (heparan sulfate 6-O-sulfotransferase 1; minus strand). Cytogenetic location: 2q14.3.
Variant type: single nucleotide variant.
Coding change: c.1017G>T on transcript NM_004807.3 (MANE Select); coding-DNA position 1017, G replaced by T.
Protein change: p.Glu339Asp; replaces glutamic acid 339 with aspartic acid.
Molecular consequence: missense variant.
Genome position (GRCh38, 1-based): chr2:128,268,381, C>A on the plus strand (G>T on the coding strand, the complement: HS6ST1 is on the minus strand). VCF-style: chr2-128268381-C-A. GRCh37 (hg19) VCF-style: chr2-129025955-C-A.
Other names: short protein forms E339D.
Identifiers: ClinVar variation 1311339 (VCV001311339.2), dbSNP rs761125600, ClinGen allele CA1867492.